The following is an entry in ClinVar:

NM_000038.6(APC):c.646-4968C>A

Gene: APC (APC regulator of WNT signaling pathway; plus strand). Cytogenetic location: 5q22.2.
Variant type: single nucleotide variant.
Coding change: c.646-4968C>A on transcript NM_000038.6 (MANE Select); 4968 bases into the intron before coding-DNA position 646, C replaced by A.
Molecular consequence: intron variant.
Genome position (GRCh38, 1-based): chr5:112,787,478, C>A. VCF-style: chr5-112787478-C-A. GRCh37 (hg19) VCF-style: chr5-112123175-C-A.
Other names: c.646-4968C>A (NM_001354895.2, NM_001127510.3, NM_001354896.2 and 1 more transcripts); c.676-4968C>A (NM_001354897.2, NM_001354902.2); c.675+6575C>A (NM_001127511.3); c.571-4968C>A (NM_001354898.2, NM_001354904.2); c.-390-4968C>A (NM_001354906.2); c.645+6575C>A (NM_001354899.2); c.469-4968C>A (NM_001354900.2, NM_001354901.2, NM_001354905.2).
Identifiers: ClinVar variation 82462 (VCV000082462.2), dbSNP rs77760414, ClinGen allele CA012016.

ClinVar aggregate classification (germline): other (0 of 4 stars; one submission).

Conditions:
Familial colorectal cancer. Identifiers: MedGen CN280943, MONDO:0023113. Disease mechanism: loss of function.

Submission:

Systems Biology Platform Zhejiang California International NanoSystems Institute
Classification: other for Familial colorectal cancer. Review status: no assertion criteria provided. Collection method: not provided. Allele origin: unknown.
ClinVar note: Converted during submission from cancer to other.